The following is an entry in ClinVar:

NM_182961.4(SYNE1):c.10257T>C (p.His3419=)

Gene: SYNE1 (spectrin repeat containing nuclear envelope protein 1; minus strand). Cytogenetic location: 6q25.2.
Variant type: single nucleotide variant.
Coding change: c.10257T>C on transcript NM_182961.4 (MANE Select); coding-DNA position 10257, T replaced by C.
Protein change: p.His3419=; no amino-acid change (histidine 3419 retained).
Molecular consequence: synonymous variant.
Genome position (GRCh38, 1-based): chr6:152,362,212, A>G on the plus strand (T>C on the coding strand, the complement: SYNE1 is on the minus strand). VCF-style: chr6-152362212-A-G. GRCh37 (hg19) VCF-style: chr6-152683347-A-G.
Other names: c.10278T>C (NM_033071.3); c.10278T>C, p.His3426= (NM_033071.5).
Identifiers: ClinVar variation 285198 (VCV000285198.38), dbSNP rs147631683, ClinGen allele CA4057020.

ClinVar aggregate classification (germline): Conflicting classifications of pathogenicity. Review status: criteria provided, conflicting classifications (1 of 4 stars). 4 submissions from 4 submitters: Uncertain significance (1); Likely benign (2). 1 of the submissions does not count toward it. Last evaluated 2025-04-13.

Conditions:
SYNE1-related disorder. Also called: SYNE1-related disease; SYNE1-related condition; SYNE1-related disorders.
Emery-Dreifuss muscular dystrophy 4, autosomal dominant (EDMD4). Also called: EMERY-DREIFUSS MUSCULAR DYSTROPHY 4 WITH VARIABLE FEATURES. Identifiers: Orphanet 261, MedGen C2751807, MONDO:0013071, OMIM 612998.
Autosomal recessive ataxia, Beauce type. Also called: SYNE1 Deficiency; SYNE1-Related Autosomal Recessive Cerebellar Ataxia; ATAXIA, RECESSIVE, OF BEAUCE; Spinocerebellar ataxia, autosomal recessive 8. Identifiers: Orphanet 88644, MedGen C1853116, MONDO:0012549, OMIM 610743.

Allele frequency attached by ClinVar (database versions not stated): ExAC 0.00002; TOPMed 0.00003; gnomAD exomes 0.00004; ESP Exome Variant Server 0.00008.
gnomAD v4.1: 40 of 1,614,112 alleles (0.0025%); highest among the groups gnomAD compares: Middle Eastern, 0.049%; no homozygotes.

Submissions (4):

Labcorp Genetics (formerly Invitae), Labcorp
Classification: Likely benign for Emery-Dreifuss muscular dystrophy 4, autosomal dominant; Autosomal recessive ataxia, Beauce type. Last evaluated: 2025-04-13. Review status: criteria provided, single submitter. Criteria: Invitae Variant Classification Sherloc (09022015). Collection method: clinical testing. Allele origin: germline.

CeGaT Center for Human Genetics Tuebingen
Classification: Likely benign. Last evaluated: 2023-10-01. Review status: criteria provided, single submitter. Criteria: CeGaT Center For Human Genetics Tuebingen Variant Classification Criteria Version 2. Collection method: clinical testing. Allele origin: germline. Affected: yes. Observed: 2 variant alleles.
Comment: SYNE1: BP4, BP7

Eurofins Ntd Llc (ga)
Classification: Uncertain significance. Last evaluated: 2016-01-04. Review status: criteria provided, single submitter. Criteria: EGL Classification Definitions 2015. Collection method: clinical testing. Allele origin: germline. Observed: 1 variant allele, 1 heterozygote.

PreventionGenetics, part of Exact Sciences
Classification: Likely benign for SYNE1-related condition. Last evaluated: 2021-04-06. Review status: no assertion criteria provided. Collection method: clinical testing. Allele origin: germline. Not counted in ClinVar's aggregate classification.
Comment: This variant is classified as likely benign based on ACMG/AMP sequence variant interpretation guidelines (Richards et al. 2015 PMID: 25741868, with internal and published modifications).